The following is an entry in ClinVar:

NM_000051.4(ATM):c.4189dup (p.His1397fs)

Gene: ATM (ATM serine/threonine kinase; plus strand). Cytogenetic location: 11q22.3.
Variant type: Duplication.
Coding change: c.4189dup on transcript NM_000051.4 (MANE Select); coding-DNA position 4189, one base duplicated (C; older notation c.4189dupC).
Protein change: p.His1397fs; shifts the reading frame from histidine 1397.
Molecular consequence: frameshift variant.
Genome position (GRCh38, 1-based): chr11:108,289,056, C duplicated. VCF-style (leftmost placement, unchanged base first): chr11-108289055-T-TC. GRCh37 (hg19) VCF-style: chr11-108159782-T-TC.
Other names: c.4189dup, p.His1397fs (NM_001351834.2); c.4189dupC (NM_000051.3); short protein forms H1397fs.
Identifiers: ClinVar variation 960196 (VCV000960196.10), dbSNP rs2082644891, ClinGen allele CA1139662301.
Genomic context (GRCh38, chr11:108,289,055, plus strand): 5'-TAATCCACCTCATTTTCCATCGCATGTGATTAAAGCAACATTTGCCTATATCAGCAATTG[T>TC]CATAAAACCAAGTTAAAAAGCATTTTAGAAATTCTTTCCAAAAGCCCTGTAAGTATACAT-3'

ClinVar aggregate classification (germline): Pathogenic. Review status: criteria provided, multiple submitters, no conflicts (2 of 4 stars). 3 submissions from 3 submitters: Pathogenic (3). Last evaluated 2024-01-23.

Conditions:
Hereditary cancer-predisposing syndrome. Also called: Hereditary neoplastic syndrome; Tumor predisposition; Neoplastic Syndromes, Hereditary; Hereditary Cancer Syndrome. Identifiers: Orphanet 140162, MedGen C0027672, MeSH D009386, MONDO:0015356.
Familial cancer of breast. Also called: Hereditary breast cancer; BREAST CANCER, FAMILIAL; hereditary breast carcinoma. Identifiers: Orphanet 227535, MedGen C0346153, MONDO:0016419, OMIM 114480. Disease mechanism: loss of function.
Ataxia-telangiectasia syndrome (AT). Also called: AT, COMPLEMENTATION GROUP C; Ataxia telangiectasia (A-T); Cerebello-oculocutaneous telangiectasia; Immunodeficiency with ataxia telangiectasia; LOUIS-BAR SYNDROME; Ataxia-telangiectasia. Identifiers: Orphanet 100, MedGen C0004135, MONDO:0008840, OMIM 208900.

Submissions (3):

Myriad Genetics, Inc.
Classification: Pathogenic for Familial cancer of breast. Last evaluated: 2024-01-23. Review status: criteria provided, single submitter. Criteria: Myriad Autosomal Dominant, Autosomal Recessive and X-Linked Classification Criteria (2023). Collection method: clinical testing. Allele origin: unknown.
Comment: This variant is considered pathogenic. This variant creates a frameshift predicted to result in premature protein truncation.

Ambry Genetics
Classification: Pathogenic for Hereditary cancer-predisposing syndrome. Last evaluated: 2020-01-04. Review status: criteria provided, single submitter. Criteria: Ambry Variant Classification Scheme 2023. Collection method: clinical testing. Allele origin: germline.
Comment: The c.4189dupC pathogenic mutation, located in coding exon 27 of the ATM gene, results from a duplication of C at nucleotide position 4189, causing a translational frameshift with a predicted alternate stop codon (p.H1397Pfs*2). This alteration is expected to result in loss of function by premature protein truncation or nonsense-mediated mRNA decay. As such, this alteration is interpreted as a disease-causing mutation.

Labcorp Genetics (formerly Invitae), Labcorp
Classification: Pathogenic for Ataxia-telangiectasia syndrome. Last evaluated: 2019-07-28. Review status: criteria provided, single submitter. Criteria: Invitae Variant Classification Sherloc (09022015). Collection method: clinical testing. Allele origin: germline.
Comment: This variant is not present in population databases (ExAC no frequency). This sequence change creates a premature translational stop signal (p.His1397Profs*2) in the ATM gene. It is expected to result in an absent or disrupted protein product. This variant has not been reported in the literature in individuals with ATM-related conditions. For these reasons, this variant has been classified as Pathogenic. Loss-of-function variants in ATM are known to be pathogenic (PMID: 23807571, 25614872).

Literature cited by the submitters: PubMed 23807571 (cited by Labcorp Genetics (formerly Invitae), Labcorp); PubMed 25614872 (cited by Labcorp Genetics (formerly Invitae), Labcorp).